The following is an entry in ClinVar:

ClinVar aggregate classification (germline): Uncertain significance (1 of 4 stars; one submission).

Submission:

GeneDx
Classification: Uncertain significance. Last evaluated: 2022-12-23. Review status: criteria provided, single submitter. Criteria: GeneDx Variant Classification Process June 2021. Collection method: clinical testing. Allele origin: germline. Affected: yes.
Comment: Frameshift variant predicted to result in protein truncation, as the last 129 amino acids are replaced with 92 different amino acids; Not observed at significant frequency in large population cohorts (gnomAD); Has not been previously published as pathogenic or benign to our knowledge

NM_006133.3(DAGLA):c.2740_2742delinsCTCAGGTGCTG (p.Ala914fs)

Gene: DAGLA (diacylglycerol lipase alpha; plus strand). Cytogenetic location: 11q12.2.
Variant type: Indel.
Coding change: c.2740_2742delinsCTCAGGTGCTG on transcript NM_006133.3 (MANE Select); coding-DNA positions 2740 to 2742, GCC replaced by CTCAGGTGCTG.
Protein change: p.Ala914fs; shifts the reading frame from alanine 914.
Molecular consequence: frameshift variant.
Genome position (GRCh38, 1-based): chr11:61,744,100-61,744,102, GCC replaced by CTCAGGTGCTG. VCF-style: chr11-61744100-GCC-CTCAGGTGCTG. GRCh37 (hg19) VCF-style: chr11-61511572-GCC-CTCAGGTGCTG.
Other names: short protein forms A914fs.
Identifiers: ClinVar variation 2507101 (VCV002507101.1), dbSNP rs2540757206, ClinGen allele CA2580615706.